The following is an entry in ClinVar:

NM_002778.4(PSAP):c.174+9C>T

Gene: PSAP (prosaposin; minus strand). Cytogenetic location: 10q22.1.
Variant type: single nucleotide variant.
Coding change: c.174+9C>T on transcript NM_002778.4 (MANE Select); 9 bases into the intron after coding-DNA position 174, C replaced by T.
Molecular consequence: intron variant.
Genome position (GRCh38, 1-based): chr10:71,834,363, G>A on the plus strand (C>T on the coding strand, the complement: PSAP is on the minus strand). VCF-style: chr10-71834363-G-A. GRCh37 (hg19) VCF-style: chr10-73594120-G-A.
Other names: p.?; c.174+9C>T (NM_001042466.3, NM_001042465.3).
Identifiers: ClinVar variation 300532 (VCV000300532.18), dbSNP rs141133813, ClinGen allele CA5547878.
Genomic context (GRCh38, chr10:71,834,363, plus strand): 5'-GAGTTACAGCTGTTCTAAGGGGACCCAAGAGGAGTGCTGCGGCTGGGACTGGAGGGCAGC[G>A]GCACTCACCACTGTTGGCTTGTTCCAAACGGTCTGCAGGCAGTGCTTCACTGCCCCGCAG-3'

ClinVar aggregate classification (germline): Conflicting classifications of pathogenicity. Review status: criteria provided, conflicting classifications (1 of 4 stars). 7 submissions from 4 submitters: Uncertain significance (3); Benign (1); Likely benign (3). Last evaluated 2026-01-26.

Conditions:
Krabbe disease due to saposin A deficiency. Also called: KRABBE DISEASE, ATYPICAL, DUE TO SAPOSIN A DEFICIENCY; Saposin A Deficiency. Identifiers: Orphanet 487, MedGen C2673266, MONDO:0012720, OMIM 611722.
Combined PSAP deficiency (PSAPD). Also called: Encephalopathy due to prosaposin deficiency; COMBINED SAP DEFICIENCY; PROSAPOSIN DEFICIENCY. Identifiers: Orphanet 139406, MedGen C2673635, MONDO:0012719, OMIM 611721.
Gaucher disease due to saposin C deficiency. Also called: Saposin C Deficiency; Atypical Gaucher disease due to saposin C deficiency. Identifiers: Orphanet 309252, Orphanet 355, MedGen C1864651, MONDO:0012517, OMIM 610539.
Sphingolipid activator protein 1 deficiency. Also called: Saposin B Deficiency; METACHROMATIC LEUKODYSTROPHY DUE TO CEREBROSIDE SULFATASE ACTIVATOR DEFICIENCY; Metachromatic leukodystrophy due to saposin B deficiency. Identifiers: Orphanet 512, MedGen C0268262, MONDO:0009590, OMIM 249900.

Allele frequency attached by ClinVar (database versions not stated): gnomAD exomes 0.00011 and 0.00023; ExAC 0.00024; ESP Exome Variant Server 0.00054; gnomAD 0.00088 and 0.00090; TOPMed 0.00090; 1000 Genomes Project 30x 0.00094; 1000 Genomes Project 0.00100.
gnomAD v4.1: 309 of 1,613,332 alleles (0.019%); highest among the groups gnomAD compares: African/African-American, 0.3%; 2 homozygotes.

Submissions (7):

Labcorp Genetics (formerly Invitae), Labcorp
Classification: Likely benign for Sphingolipid activator protein 1 deficiency. Last evaluated: 2026-01-26. Review status: criteria provided, single submitter. Criteria: Invitae Variant Classification Sherloc (09022015). Collection method: clinical testing. Allele origin: germline.

Mayo Clinic Laboratories, Mayo Clinic
Classification: Likely benign. Last evaluated: 2024-10-14. Review status: criteria provided, single submitter. Criteria: ACMG Guidelines, 2015. Collection method: clinical testing. Allele origin: germline. Observed: 1 variant allele.
Comment: BS1, BP4, BP7

Blueprint Genetics
Classification: Likely benign. Last evaluated: 2024-08-06. Review status: criteria provided, single submitter. Criteria: ACMG Guidelines, 2015. Collection method: clinical testing. Allele origin: germline.

Illumina Laboratory Services, Illumina
Classification: Uncertain significance for Combined PSAP deficiency. Last evaluated: 2018-01-13. Review status: criteria provided, single submitter. Criteria: ICSL Variant Classification Criteria 13 December 2019. Collection method: clinical testing. Allele origin: germline.

Illumina Laboratory Services, Illumina
Classification: Uncertain significance for Sphingolipid activator protein 1 deficiency. Last evaluated: 2018-01-13. Review status: criteria provided, single submitter. Criteria: ICSL Variant Classification Criteria 13 December 2019. Collection method: clinical testing. Allele origin: germline.

Illumina Laboratory Services, Illumina
Classification: Benign for Gaucher disease due to saposin C deficiency. Last evaluated: 2018-01-13. Review status: criteria provided, single submitter. Criteria: ICSL Variant Classification Criteria 13 December 2019. Collection method: clinical testing. Allele origin: germline.
Comment: This variant was observed in the ICSL laboratory as part of a predisposition screen in an ostensibly healthy population. It had not been previously curated by ICSL or reported in the Human Gene Mutation Database (HGMD: prior to June 1st, 2018), and was therefore a candidate for classification through an automated scoring system. Utilizing variant allele frequency, disease prevalence and penetrance estimates, and inheritance mode, an automated score was calculated to assess if this variant is too frequent to cause the disease. Based on the score and internal cut-off values, a variant classified as benign is not then subjected to further curation. The score for this variant resulted in a classification of benign for this disease.

Illumina Laboratory Services, Illumina
Classification: Uncertain significance for Krabbe disease due to saposin A deficiency. Last evaluated: 2018-01-13. Review status: criteria provided, single submitter. Criteria: ICSL Variant Classification Criteria 13 December 2019. Collection method: clinical testing. Allele origin: germline.